The following is an entry in ClinVar:

NM_000059.4(BRCA2):c.3335del (p.Thr1112fs)

Gene: BRCA2 (BRCA2 DNA repair associated; plus strand). Cytogenetic location: 13q13.1.
Variant type: Deletion.
Coding change: c.3335del on transcript NM_000059.4 (MANE Select); coding-DNA position 3335, one base deleted (C; older notation c.3335delC).
Protein change: p.Thr1112fs; shifts the reading frame from threonine 1112.
Molecular consequence: frameshift variant.
Genome position (GRCh38, 1-based): chr13:32,337,690, C deleted. VCF-style (leftmost placement, unchanged base first): chr13-32337689-AC-A. GRCh37 (hg19) VCF-style: chr13-32911826-AC-A.
Other names: 3563delC; c.3335delC (NM_000059.3).
Identifiers: ClinVar variation 266746 (VCV000266746.14), dbSNP rs886040470, ClinGen allele CA10589198.

ClinVar aggregate classification (germline): Pathogenic. Review status: reviewed by expert panel (3 of 4 stars). 4 submissions from 4 submitters: Pathogenic (1). 3 of the submissions do not count toward it. Last evaluated 2016-10-18.

Conditions:
Hereditary cancer-predisposing syndrome. Also called: Tumor predisposition; Neoplastic Syndromes, Hereditary; Hereditary neoplastic syndrome; Hereditary Cancer Syndrome. Identifiers: Orphanet 140162, MedGen C0027672, MeSH D009386, MONDO:0015356.
Hereditary breast ovarian cancer syndrome. Also called: Hereditary breast and ovarian cancer; Hereditary breast and ovarian cancer syndrome (HBOC); Hereditary breast and/or ovarian cancer syndrome; Breast and ovarian cancer; Hereditary breast and ovarian cancer syndrome; BRCA1- and BRCA2-Associated Hereditary Breast and Ovarian Cancer. Identifiers: Orphanet 145, MedGen C0677776, MeSH D061325, MONDO:0003582. Disease mechanism: loss of function.
Breast-ovarian cancer, familial, susceptibility to, 2 (BROVCA2). Also called: BRCA2 Hereditary Breast and Ovarian Cancer. Identifiers: Orphanet 145, MedGen C2675520, MONDO:0012933, OMIM 612555. Disease mechanism: loss of function.

Submissions (4):

Evidence-based Network for the Interpretation of Germline Mutant Alleles (ENIGMA)
Classification: Pathogenic for Breast-ovarian cancer, familial, susceptibility to, 2. Last evaluated: 2016-10-18. Review status: reviewed by expert panel. Criteria: ENIGMA BRCA1/2 Classification Criteria (2015). Collection method: curation. Allele origin: germline.
Comment: Variant allele predicted to encode a truncated non-functional protein.

Labcorp Genetics (formerly Invitae), Labcorp
Classification: Pathogenic for Hereditary breast ovarian cancer syndrome. Last evaluated: 2025-08-03. Review status: criteria provided, single submitter. Criteria: Invitae Variant Classification Sherloc (09022015). Collection method: clinical testing. Allele origin: germline. Not counted in ClinVar's aggregate classification.
Comment: This sequence change creates a premature translational stop signal (p.Thr1112Lysfs*7) in the BRCA2 gene. It is expected to result in an absent or disrupted protein product. Loss-of-function variants in BRCA2 are known to be pathogenic (PMID: 20104584). This variant is not present in population databases (gnomAD no frequency). This variant has not been reported in the literature in individuals affected with BRCA2-related conditions. ClinVar contains an entry for this variant (Variation ID: 266746). For these reasons, this variant has been classified as Pathogenic.

Ambry Genetics
Classification: Pathogenic for Hereditary cancer-predisposing syndrome. Last evaluated: 2022-06-06. Review status: criteria provided, single submitter. Criteria: Ambry Variant Classification Scheme 2023. Collection method: clinical testing. Allele origin: germline. Not counted in ClinVar's aggregate classification.
Comment: The c.3335delC pathogenic mutation, located in coding exon 10 of the BRCA2 gene, results from a deletion of one nucleotide at nucleotide position 3335, causing a translational frameshift with a predicted alternate stop codon (p.T1112Kfs*7). This alteration is expected to result in loss of function by premature protein truncation or nonsense-mediated mRNA decay. As such, this alteration is interpreted as a disease-causing mutation.

Consortium of Investigators of Modifiers of BRCA1/2 (CIMBA), c/o University of Cambridge
Classification: Pathogenic for Breast-ovarian cancer, familial, susceptibility to, 2. Last evaluated: 2015-10-02. Review status: criteria provided, single submitter. Criteria: CIMBA Mutation Classification guidelines May 2016. Collection method: clinical testing. Allele origin: germline. Not counted in ClinVar's aggregate classification.

Literature cited by the submitters: PubMed 20104584 (cited by Labcorp Genetics (formerly Invitae), Labcorp).